The following is an entry in ClinVar:

ClinVar aggregate classification (germline): Conflicting classifications of pathogenicity. Review status: criteria provided, conflicting classifications (1 of 4 stars). 5 submissions from 5 submitters: Uncertain significance (1); Likely benign (3). 1 of the submissions does not count toward it. Last evaluated 2026-01-26.

Conditions:
MEGF10-related disorder. Also called: MEGF10-related condition.
MEGF10-related myopathy (CMYO10A). Also called: Congenital myopathy 10A, severe variant. Identifiers: Orphanet 439212, MedGen C3280679, MONDO:0013731, OMIM 614399.

Allele frequency attached by ClinVar (database versions not stated): gnomAD 0.00074 and 0.00080; 1000 Genomes Project 30x 0.00016; 1000 Genomes Project 0.00020; ESP Exome Variant Server 0.00038; ExAC 0.00046; gnomAD exomes 0.00054 and 0.00068; TOPMed 0.00073.
gnomAD v4.1: 924 of 1,610,420 alleles (0.057%); highest among the groups gnomAD compares: Non-Finnish European, 0.046%; 3 homozygotes.

Submissions (5):

Labcorp Genetics (formerly Invitae), Labcorp
Classification: Likely benign for MEGF10-related myopathy. Last evaluated: 2026-01-26. Review status: criteria provided, single submitter. Criteria: Invitae Variant Classification Sherloc (09022015). Collection method: clinical testing. Allele origin: germline.

Blueprint Genetics
Classification: Likely benign. Last evaluated: 2024-05-29. Review status: criteria provided, single submitter. Criteria: ACMG Guidelines, 2015. Collection method: clinical testing. Allele origin: germline.

GeneDx
Classification: Likely benign. Last evaluated: 2018-07-30. Review status: criteria provided, single submitter. Criteria: GeneDx Variant Classification Process June 2021. Collection method: clinical testing. Allele origin: germline. Affected: yes.

Illumina Laboratory Services, Illumina
Classification: Uncertain significance for MEGF10-related myopathy. Last evaluated: 2018-01-12. Review status: criteria provided, single submitter. Criteria: ICSL Variant Classification Criteria 13 December 2019. Collection method: clinical testing. Allele origin: germline.

PreventionGenetics, part of Exact Sciences
Classification: Benign for MEGF10-related condition. Last evaluated: 2019-06-26. Review status: no assertion criteria provided. Collection method: clinical testing. Allele origin: germline. Not counted in ClinVar's aggregate classification.
Comment: This variant is classified as benign based on ACMG/AMP sequence variant interpretation guidelines (Richards et al. 2015 PMID: 25741868, with internal and published modifications).

NM_001256545.2(MEGF10):c.1975+10G>A

Gene: MEGF10 (multiple EGF like domains 10; plus strand). Cytogenetic location: 5q23.2.
Variant type: single nucleotide variant.
Coding change: c.1975+10G>A on transcript NM_001256545.2 (MANE Select); 10 bases into the intron after coding-DNA position 1975, G replaced by A.
Molecular consequence: intron variant.
Genome position (GRCh38, 1-based): chr5:127,434,831, G>A. VCF-style: chr5-127434831-G-A. GRCh37 (hg19) VCF-style: chr5-126770523-G-A.
Other names: c.1975+10G>A (NM_032446.3).
Identifiers: ClinVar variation 511785 (VCV000511785.22), dbSNP rs148814585, ClinGen allele CA3391792.
Genomic context (GRCh38, chr5:127,434,831, plus strand): 5'-CCGGCCTGTGTGACTGCTTGCCTGGCTTCACAGGCGCCCTCTGCAATGAAGGTAAGGCAC[G>A]AAGCATCCCGGACAGCTGGGTGGTGATGAGCACGCCCCGGAGAGTCTGTCCTCAGGCCTC-3'